The following is an entry in ClinVar:

ClinVar aggregate classification (germline): Likely benign. Review status: criteria provided, multiple submitters, no conflicts (2 of 4 stars). 3 submissions from 3 submitters: Likely benign (3). Last evaluated 2025-11-01.

Conditions:
Dilated cardiomyopathy 1G (CMD1G). Identifiers: Orphanet 154, MedGen C1858763, MONDO:0011400, OMIM 604145.
Autosomal recessive limb-girdle muscular dystrophy type 2J (LGMDR10). Also called: Limb-girdle muscular dystrophy, type 2J; MUSCULAR DYSTROPHY, LIMB-GIRDLE, AUTOSOMAL RECESSIVE 10. Identifiers: Orphanet 140922, MedGen C1837342, MONDO:0012127, OMIM 608807.

Allele frequency attached by ClinVar (database versions not stated): gnomAD 0.00011; TOPMed 0.00012; gnomAD exomes 0.00013.

Submissions (3):

CeGaT Center for Human Genetics Tuebingen
Classification: Likely benign. Last evaluated: 2025-11-01. Review status: criteria provided, single submitter. Criteria: CeGaT Center For Human Genetics Tuebingen Variant Classification Criteria Version 2. Collection method: clinical testing. Allele origin: germline. Affected: yes. Observed: 1 variant allele.
Comment: TTN: BP4, BP7

Blueprint Genetics
Classification: Likely benign. Last evaluated: 2024-11-05. Review status: criteria provided, single submitter. Criteria: ACMG Guidelines, 2015. Collection method: clinical testing. Allele origin: germline.

Labcorp Genetics (formerly Invitae), Labcorp
Classification: Likely benign for Dilated cardiomyopathy 1G; Autosomal recessive limb-girdle muscular dystrophy type 2J. Last evaluated: 2024-10-17. Review status: criteria provided, single submitter. Criteria: Invitae Variant Classification Sherloc (09022015). Collection method: clinical testing. Allele origin: germline.

NM_001267550.2(TTN):c.36810A>G (p.Glu12270=)

Gene: TTN (titin; minus strand). Cytogenetic location: 2q31.2.
Variant type: single nucleotide variant.
Coding change: c.36810A>G on transcript NM_001267550.2 (MANE Select); coding-DNA position 36810, A replaced by G.
Protein change: p.Glu12270=; no amino-acid change (glutamic acid 12270 retained).
Molecular consequence: synonymous variant. On other transcripts: intron variant (5).
Genome position (GRCh38, 1-based): chr2:178,662,793, T>C on the plus strand (A>G on the coding strand, the complement: TTN is on the minus strand). VCF-style: chr2-178662793-T-C. GRCh37 (hg19) VCF-style: chr2-179527520-T-C.
Other names: c.13283-20476A>G (NM_003319.4); c.13859-20476A>G (NM_133437.4); c.13658-20476A>G (NM_133432.3); c.31573+173A>G (NM_133378.4); c.34354+173A>G (NM_001256850.1).
Identifiers: ClinVar variation 467075 (VCV000467075.15), dbSNP rs900028908, ClinGen allele CA60973323.
Genomic context (GRCh38, chr2:178,662,793, plus strand): 5'-TGCACGTGGGGCTTCCGGTTTTTTGGGCACAGCCACAGATGCTTTCTTTTCAAGTACAAC[T>C]TCTTTAGGAGCTTCAGGAACTTTGAAGATATTAGTATCTTTTAGTTAGAAGCTATAAAGG-3'
Protein context (NP_001254479.2, residues 12260-12280): PPPKVPEAPK[Glu12270=]VVLEKKASVA